The following is an entry in ClinVar:

ClinVar aggregate classification (germline): Uncertain significance (1 of 4 stars; one submission).

Allele frequency attached by ClinVar (database versions not stated): gnomAD 0.00001; gnomAD exomes 0.00001 and 0.00002; TOPMed 0.00001; ExAC 0.00002.
gnomAD v4.1: 21 of 1,613,990 alleles (0.0013%); highest among the groups gnomAD compares: South Asian, 0.0088%; no homozygotes.

Submission:

GeneDx
Classification: Uncertain significance. Last evaluated: 2020-01-09. Review status: criteria provided, single submitter. Criteria: GeneDx Variant Classification Process June 2021. Collection method: clinical testing. Allele origin: germline. Affected: yes.
Comment: Not observed at a significant frequency in large population cohorts (Lek et al., 2016); In silico analysis, which includes protein predictors and evolutionary conservation, supports a deleterious effect; Has not been previously published as pathogenic or benign to our knowledge; This variant is associated with the following publications: (PMID: 31981491)

NM_024876.4(COQ8B):c.1172G>A (p.Arg391Gln)

Gene: COQ8B (coenzyme Q8B; minus strand). Cytogenetic location: 19q13.2.
Variant type: single nucleotide variant.
Coding change: c.1172G>A on transcript NM_024876.4 (MANE Select); coding-DNA position 1172, G replaced by A.
Protein change: p.Arg391Gln; replaces arginine 391 with glutamine.
Molecular consequence: missense variant.
Genome position (GRCh38, 1-based): chr19:40,696,026, C>T on the plus strand (G>A on the coding strand, the complement: COQ8B is on the minus strand). VCF-style: chr19-40696026-C-T. GRCh37 (hg19) VCF-style: chr19-41201931-C-T.
Other names: c.1049G>A, p.Arg350Gln (NM_001142555.3); short protein forms R350Q, R391Q.
Identifiers: ClinVar variation 1311424 (VCV001311424.2), dbSNP rs765720942, ClinGen allele CA9450128.